The following is an entry in ClinVar:

NM_020919.4(ALS2):c.2999dup (p.Ser1001fs)

Gene: ALS2 (alsin Rho guanine nucleotide exchange factor ALS2; minus strand). Cytogenetic location: 2q33.1.
Variant type: Duplication.
Coding change: c.2999dup on transcript NM_020919.4 (MANE Select); coding-DNA position 2999, one base duplicated (T; older notation c.2999dupT).
Protein change: p.Ser1001fs; shifts the reading frame from serine 1001.
Molecular consequence: frameshift variant.
Genome position (GRCh38, 1-based): chr2:201,726,847, A duplicated on the plus strand (T on the coding strand, the reverse complement: ALS2 is on the minus strand). VCF-style (leftmost placement, unchanged base first): chr2-201726846-T-TA. GRCh37 (hg19) VCF-style: chr2-202591569-T-TA.
Other names: c.2999dup, p.Ser1001fs (NM_001410975.1); short protein forms S1001fs.
Identifiers: ClinVar variation 4880544 (VCV004880544.2).
Genomic context (GRCh38, chr2:201,726,846, plus strand): 5'-ACCACTTCCATAAGGGGGGAGATCAGACATCCCTCTCAAAGCCTGATCTACGGCTTGGCT[T>TA]ATAGCTCGTAGCCACTTTGTCTAGGAGCAAAAAGTAACGTCAATAAGTTTAAGGCAACAA-3'

ClinVar aggregate classification (germline): Likely pathogenic (1 of 4 stars; one submission).

Submission:

Dasa
Classification: Likely pathogenic. Last evaluated: 2026-01-02. Review status: criteria provided, single submitter. Criteria: DASA Assertion Criteria. Collection method: clinical testing. Allele origin: germline.
Comment: NM_020919.4(ALS2):c.2999dup (p.Ser1001Lysfs*13) is a frameshift variant in ALS2 predicted to alter the reading frame and introduce a premature termination codon and is predicted to result in an absent or altered protein product. Loss of function is an established disease mechanism for ALS2-associated disorders. Also, this variant is absent from population databases. Based on the currently available evidence, this variant is classified as likely pathogenic.